The following is an entry in ClinVar:

NM_001001957.2(OR2W3):c.109C>T (p.Leu37=)

Gene: OR2W3 (olfactory receptor family 2 subfamily W member 3; plus strand). Cytogenetic location: 1q44.
Variant type: single nucleotide variant.
Coding change: c.109C>T on transcript NM_001001957.2 (MANE Select); coding-DNA position 109, C replaced by T.
Protein change: p.Leu37=; no amino-acid change (leucine 37 retained).
Molecular consequence: synonymous variant.
Genome position (GRCh38, 1-based): chr1:247,895,695, C>T. VCF-style: chr1-247895695-C-T. GRCh37 (hg19) VCF-style: chr1-248058997-C-T.
Identifiers: ClinVar variation 2809525 (VCV002809525.3), dbSNP rs2527687113, ClinGen allele CA424738298.
Genomic context (GRCh38, chr1:247,895,695, plus strand): 5'-TTCTCTGACCGACCCCATCTGGAGAGGATCCTCTTTGTGGTCATCCTGATCGCGTACCTC[C>T]TGACCCTCGTAGGCAACACCACCATCATCCTGGTGTCCCGGCTGGACCCCCACCTCCACA-3'
Protein context (NP_001001957.2, residues 27-47): LFVVILIAYL[Leu37=]TLVGNTTIIL

ClinVar aggregate classification (germline): Uncertain significance (1 of 4 stars; one submission).

Submission:

Labcorp Genetics (formerly Invitae), Labcorp
Classification: Uncertain significance. Last evaluated: 2023-07-03. Review status: criteria provided, single submitter. Criteria: Invitae Variant Classification Sherloc (09022015). Collection method: clinical testing. Allele origin: germline.
Comment: This variant is not present in population databases (gnomAD no frequency). This sequence change affects codon 37 of the OR2W3 mRNA. It is a 'silent' change, meaning that it does not change the encoded amino acid sequence of the OR2W3 protein. This variant has not been reported in the literature in individuals affected with OR2W3-related conditions. In summary, the available evidence is currently insufficient to determine the role of this variant in disease. Therefore, it has been classified as a Variant of Uncertain Significance.